The following is an entry in ClinVar:

NM_025114.4(CEP290):c.6538C>T (p.Leu2180Phe)

Gene: CEP290 (centrosomal protein 290; minus strand). Cytogenetic location: 12q21.32.
Variant type: single nucleotide variant.
Coding change: c.6538C>T on transcript NM_025114.4 (MANE Select); coding-DNA position 6538, C replaced by T.
Protein change: p.Leu2180Phe; replaces leucine 2180 with phenylalanine.
Molecular consequence: missense variant.
Genome position (GRCh38, 1-based): chr12:88,060,005, G>A on the plus strand (C>T on the coding strand, the complement: CEP290 is on the minus strand). VCF-style: chr12-88060005-G-A. GRCh37 (hg19) VCF-style: chr12-88453782-G-A.
Other names: short protein forms L2180F.
Identifiers: ClinVar variation 1059203 (VCV001059203.6), dbSNP rs1381853150, ClinGen allele CA385978377.
Genomic context (GRCh38, chr12:88,060,005, plus strand): 5'-CTGTGCCTTTGGTCTTGGATTCATAGTGCATGCTCAACTGATGCCCAAGATGAGCTTTAA[G>A]TTTTTCTAATTCAGCCTAGTAAAAAAACAAACAAAATAAAAAGTATACATTATCAAAACA-3'
Protein context (NP_079390.3, residues 2170-2190): NEKLKAELEK[Leu2180Phe]KAHLGHQLSM

ClinVar aggregate classification (germline): Uncertain significance (1 of 4 stars; one submission).

Conditions:
Joubert syndrome. Also called: Familial aplasia of the vermis; CEREBELLOPARENCHYMAL DISORDER IV; JOUBERT-BOLTSHAUSER SYNDROME. Identifiers: Orphanet 475, MedGen C5979921, MONDO:0018772.
Meckel-Gruber syndrome. Also called: Dysencephalia splachnocystica; DYSENCEPHALIA SPLANCHNOCYSTICA; GRUBER SYNDROME. Identifiers: Orphanet 564, MedGen C0265215, MONDO:0018921.
Nephronophthisis. Also called: Juvenile Nephronophthisis. Identifiers: Orphanet 655, MedGen C0687120, MONDO:0019005, HP:0000090.

Submission:

Labcorp Genetics (formerly Invitae), Labcorp
Classification: Uncertain significance for Joubert syndrome; Meckel-Gruber syndrome; Nephronophthisis. Last evaluated: 2021-08-26. Review status: criteria provided, single submitter. Criteria: Invitae Variant Classification Sherloc (09022015). Collection method: clinical testing. Allele origin: germline.
Comment: This sequence change replaces leucine with phenylalanine at codon 2180 of the CEP290 protein (p.Leu2180Phe). The leucine residue is highly conserved and there is a small physicochemical difference between leucine and phenylalanine. This variant is not present in population databases (ExAC no frequency). This variant has not been reported in the literature in individuals affected with CEP290-related conditions. Algorithms developed to predict the effect of missense changes on protein structure and function are either unavailable or do not agree on the potential impact of this missense change (SIFT: "Deleterious"; PolyPhen-2: "Probably Damaging"; Align-GVGD: "Class C0"). In summary, the available evidence is currently insufficient to determine the role of this variant in disease. Therefore, it has been classified as a Variant of Uncertain Significance.